The following is an entry in ClinVar:

ClinVar aggregate classification (germline): Uncertain significance (1 of 4 stars; one submission).

Conditions:
Neurofibromatosis, type 1 (NF1). Also called: VON RECKLINGHAUSEN DISEASE; Neurofibromatosis, type I; NEUROFIBROMATOSIS, TYPE I, SOMATIC; Peripheral type neurofibromatosis. Identifiers: Orphanet 636, MedGen C0027831, MONDO:0018975, OMIM 162200. Disease mechanism: loss of function.

gnomAD v4.1: 2 of 1,613,826 alleles (0.00012%); highest among the groups gnomAD compares: Non-Finnish European, 0.00017%; no homozygotes.

Submission:

Labcorp Genetics (formerly Invitae), Labcorp
Classification: Uncertain significance for Neurofibromatosis, type 1. Last evaluated: 2021-11-29. Review status: criteria provided, single submitter. Criteria: Invitae Variant Classification Sherloc (09022015). Collection method: clinical testing. Allele origin: germline.
Comment: In summary, the available evidence is currently insufficient to determine the role of this variant in disease. Therefore, it has been classified as a Variant of Uncertain Significance. Advanced modeling of protein sequence and biophysical properties (such as structural, functional, and spatial information, amino acid conservation, physicochemical variation, residue mobility, and thermodynamic stability) performed at Invitae indicates that this missense variant is expected to disrupt NF1 protein function. This variant has not been reported in the literature in individuals affected with NF1-related conditions. This variant is not present in population databases (gnomAD no frequency). This sequence change replaces proline, which is neutral and non-polar, with arginine, which is basic and polar, at codon 2659 of the NF1 protein (p.Pro2659Arg).

NM_001042492.3(NF1):c.8039C>G (p.Pro2680Arg)

Gene: NF1 (neurofibromin 1; plus strand). Cytogenetic location: 17q11.2.
Variant type: single nucleotide variant.
Coding change: c.8039C>G on transcript NM_001042492.3 (MANE Select); coding-DNA position 8039, C replaced by G.
Protein change: p.Pro2680Arg; replaces proline 2680 with arginine.
Molecular consequence: missense variant.
Genome position (GRCh38, 1-based): chr17:31,358,548, C>G. VCF-style: chr17-31358548-C-G. GRCh37 (hg19) VCF-style: chr17-29685566-C-G.
Other names: c.7976C>G, p.Pro2659Arg (NM_000267.4); short protein forms P2659R, P2680R.
Identifiers: ClinVar variation 1395684 (VCV001395684.6), dbSNP rs2151584968, ClinGen allele CA399203739.